The following is an entry in ClinVar:

NM_000981.4(RPL19):c.54C>G (p.Gly18=)

Gene: RPL19 (ribosomal protein L19; plus strand). Cytogenetic location: 17q12.
Variant type: single nucleotide variant.
Coding change: c.54C>G on transcript NM_000981.4 (MANE Select); coding-DNA position 54, C replaced by G.
Protein change: p.Gly18=; no amino-acid change (glycine 18 retained).
Molecular consequence: synonymous variant.
Genome position (GRCh38, 1-based): chr17:39,201,261, C>G. VCF-style: chr17-39201261-C-G. GRCh37 (hg19) VCF-style: chr17-37357514-C-G.
Other names: c.48C>G, p.Gly16= (NM_001330200.1).
Identifiers: ClinVar variation 2647712 (VCV002647712.24), dbSNP rs112654937, ClinGen allele CA290376174.

ClinVar aggregate classification (germline): Likely benign (1 of 4 stars; one submission).

Submission:

CeGaT Center for Human Genetics Tuebingen
Classification: Likely benign. Last evaluated: 2023-05-01. Review status: criteria provided, single submitter. Criteria: CeGaT Center For Human Genetics Tuebingen Variant Classification Criteria Version 2. Collection method: clinical testing. Allele origin: germline. Affected: yes. Observed: 1 variant allele.
Comment: RPL19: BP4, BP7